The following is an entry in ClinVar:

NM_018896.5(CACNA1G):c.4042G>A (p.Val1348Met)

Gene: CACNA1G (calcium voltage-gated channel subunit alpha1 G; plus strand). Cytogenetic location: 17q21.33.
Variant type: single nucleotide variant.
Coding change: c.4042G>A on transcript NM_018896.5 (MANE Select); coding-DNA position 4042, G replaced by A.
Protein change: p.Val1348Met; replaces valine 1348 with methionine.
Molecular consequence: missense variant. On other transcripts: non-coding transcript variant (5).
Genome position (GRCh38, 1-based): chr17:50,603,072, G>A. VCF-style: chr17-50603072-G-A. GRCh37 (hg19) VCF-style: chr17-48680433-G-A.
Other names: c.4042G>A, p.Val1348Met (NM_001256324.2, NM_001256325.2, NM_001256326.2 and 16 more transcripts); c.3973G>A, p.Val1325Met (NM_001256332.2, NM_198376.3, NM_198379.3 and 5 more transcripts); c.4042G>A (NM_018896.4); short protein forms V1348M, V1325M.
Identifiers: ClinVar variation 2402869 (VCV002402869.4), dbSNP rs777816053, ClinGen allele CA8652925.

ClinVar aggregate classification (germline): Uncertain significance. Review status: criteria provided, multiple submitters, no conflicts (2 of 4 stars). 2 submissions from 2 submitters: Uncertain significance (2). Last evaluated 2024-02-15.

Conditions:
Inborn genetic diseases. Identifiers: MedGen C0950123, MeSH D030342.

Allele frequency attached by ClinVar (database versions not stated): gnomAD 0.00001; gnomAD exomes 0.00001; TOPMed 0.00001; ExAC 0.00003.
gnomAD v4.1: 23 of 1,613,566 alleles (0.0014%); highest among the groups gnomAD compares: Middle Eastern, 0.033%; 1 homozygote.

Submissions (2):

GeneDx
Classification: Uncertain significance. Last evaluated: 2024-02-15. Review status: criteria provided, single submitter. Criteria: GeneDx Variant Classification Process June 2021. Collection method: clinical testing. Allele origin: germline. Affected: yes.
Comment: In silico analysis supports that this missense variant has a deleterious effect on protein structure/function; Has not been previously published as pathogenic or benign to our knowledge

Ambry Genetics
Classification: Uncertain significance for Inborn genetic diseases. Last evaluated: 2021-12-03. Review status: criteria provided, single submitter. Criteria: Ambry Variant Classification Scheme 2023. Collection method: clinical testing. Allele origin: germline.